The following is an entry in ClinVar:

ClinVar aggregate classification (germline): Likely benign. Review status: criteria provided, multiple submitters, no conflicts (2 of 4 stars). 5 submissions from 5 submitters: Likely benign (4). 1 of the submissions does not count toward it. Last evaluated 2026-02-23.

Conditions:
Cardiovascular phenotype. Identifiers: MedGen CN230736.
CACNA1C-related disorder. Also called: CACNA1C-related disorders; CACNA1C-related condition. Identifiers: MedGen CN381092, MONDO:0700321.
Long QT syndrome (LQTS). Identifiers: MedGen C0023976, MeSH D008133, MONDO:0002442. Disease mechanism: loss of function. Inheritance: Various modes of inheritance.

Allele frequency attached by ClinVar (database versions not stated): gnomAD 0.00010 and 0.00011; 1000 Genomes Project 0.00020; ExAC 0.00002; TOPMed 0.00009; gnomAD exomes 0.00004; 1000 Genomes Project 30x 0.00031.
gnomAD v4.1: 44 of 1,609,748 alleles (0.0027%); highest among the groups gnomAD compares: African/African-American, 0.036%; no homozygotes.

Submissions (5):

Women's Health and Genetics/Laboratory Corporation of America, LabCorp
Classification: Likely benign. Last evaluated: 2026-02-23. Review status: criteria provided, single submitter. Criteria: LabCorp Variant Classification Summary - May 2015. Collection method: clinical testing. Allele origin: germline.

Labcorp Genetics (formerly Invitae), Labcorp
Classification: Likely benign for Long QT syndrome. Last evaluated: 2026-02-01. Review status: criteria provided, single submitter. Criteria: Invitae Variant Classification Sherloc (09022015). Collection method: clinical testing. Allele origin: germline.

Ambry Genetics
Classification: Likely benign for Cardiovascular phenotype. Last evaluated: 2019-09-30. Review status: criteria provided, single submitter. Criteria: Ambry Variant Classification Scheme 2023. Collection method: clinical testing. Allele origin: germline.

Breakthrough Genomics
Classification: Likely benign. Review status: criteria provided, single submitter. Criteria: ACMG Guidelines, 2015. Collection method: not provided. Allele origin: germline. Inheritance: Autosomal dominant inheritance. Affected: yes.

PreventionGenetics, part of Exact Sciences
Classification: Likely benign for CACNA1C-related condition. Last evaluated: 2020-06-25. Review status: no assertion criteria provided. Collection method: clinical testing. Allele origin: germline. Not counted in ClinVar's aggregate classification.
Comment: This variant is classified as likely benign based on ACMG/AMP sequence variant interpretation guidelines (Richards et al. 2015 PMID: 25741868, with internal and published modifications).

NM_000719.7(CACNA1C):c.1872G>A (p.Leu624=)

Gene: CACNA1C (calcium voltage-gated channel subunit alpha1 C; plus strand). Cytogenetic location: 12p13.33.
Variant type: single nucleotide variant.
Coding change: c.1872G>A on transcript NM_000719.7 (MANE Select); coding-DNA position 1872, G replaced by A.
Protein change: p.Leu624=; no amino-acid change (leucine 624 retained).
Molecular consequence: synonymous variant.
Genome position (GRCh38, 1-based): chr12:2,567,771, G>A. VCF-style: chr12-2567771-G-A. GRCh37 (hg19) VCF-style: chr12-2676937-G-A.
Other names: c.1872G>A, p.Leu624= (NM_001129827.2, NM_001129829.2, NM_001129830.3 and 18 more transcripts); c.1863G>A, p.Leu621= (NM_001129844.2).
Identifiers: ClinVar variation 456947 (VCV000456947.18), dbSNP rs202227691, ClinGen allele CA6388865.